The following is an entry in ClinVar:

ClinVar aggregate classification (germline): Benign/Likely benign. Review status: criteria provided, multiple submitters, no conflicts (2 of 4 stars). 4 submissions from 4 submitters: Benign (1); Likely benign (3). Last evaluated 2026-04-17.

Conditions:
DICER1-related disorder. Also called: DICER1-related condition.
Hereditary cancer-predisposing syndrome. Also called: Neoplastic Syndromes, Hereditary; Hereditary Cancer Syndrome; Tumor predisposition; Hereditary neoplastic syndrome. Identifiers: Orphanet 140162, MedGen C0027672, MeSH D009386, MONDO:0015356.
DICER1-related tumor predisposition. Also called: DICER1 syndrome; DICER1-related pleuropulmonary blastoma cancer predisposition syndrome. Identifiers: Orphanet 284343, MedGen C3839822, MONDO:0100216.

Allele frequency attached by ClinVar (database versions not stated): gnomAD exomes below 0.00001.
gnomAD v4.1: 6 of 1,614,172 alleles (0.00037%); highest among the groups gnomAD compares: Middle Eastern, 0.017%; no homozygotes.

Submissions (4):

Myriad Genetics, Inc.
Classification: Benign for DICER1-related tumor predisposition. Last evaluated: 2026-04-17. Review status: criteria provided, single submitter. Criteria: Myriad Autosomal Dominant, Autosomal Recessive and X-Linked Classification Criteria (2023). Collection method: clinical testing. Allele origin: unknown.
Comment: This variant is considered benign. This variant is a silent/synonymous amino acid change and it is not expected to impact splicing.

PreventionGenetics, part of Exact Sciences
Classification: Likely benign for DICER1-related condition. Last evaluated: 2026-02-01. Review status: criteria provided, single submitter. Criteria: ACMG Guidelines, 2015. Collection method: clinical testing. Allele origin: germline.
Comment: This variant is classified as likely benign based on ACMG/AMP sequence variant interpretation guidelines (Richards et al. 2015 PMID: 25741868, with internal and published modifications).

Labcorp Genetics (formerly Invitae), Labcorp
Classification: Likely benign for DICER1-related tumor predisposition. Last evaluated: 2026-01-26. Review status: criteria provided, single submitter. Criteria: Invitae Variant Classification Sherloc (09022015). Collection method: clinical testing. Allele origin: germline.

Ambry Genetics
Classification: Likely benign for Hereditary cancer-predisposing syndrome. Last evaluated: 2018-12-27. Review status: criteria provided, single submitter. Criteria: Ambry Variant Classification Scheme 2023. Collection method: clinical testing. Allele origin: germline.

NM_177438.3(DICER1):c.3465G>A (p.Thr1155=)

Gene: DICER1 (dicer 1, ribonuclease III; minus strand). Cytogenetic location: 14q32.13.
Variant type: single nucleotide variant.
Coding change: c.3465G>A on transcript NM_177438.3 (MANE Select); coding-DNA position 3465, G replaced by A.
Protein change: p.Thr1155=; no amino-acid change (threonine 1155 retained).
Molecular consequence: synonymous variant.
Genome position (GRCh38, 1-based): chr14:95,103,931, C>T on the plus strand (G>A on the coding strand, the complement: DICER1 is on the minus strand). VCF-style: chr14-95103931-C-T. GRCh37 (hg19) VCF-style: chr14-95570268-C-T.
Other names: c.3465G>A, p.Thr1155= (NM_001195573.1, NM_001271282.3, NM_001291628.2 and 1 more transcripts).
Identifiers: ClinVar variation 477143 (VCV000477143.19), dbSNP rs377272036, ClinGen allele CA265906205.